The following is an entry in ClinVar:

NM_020975.6(RET):c.108C>T (p.Tyr36=)

Gene: RET (ret proto-oncogene; plus strand). Cytogenetic location: 10q11.21.
Variant type: single nucleotide variant.
Coding change: c.108C>T on transcript NM_020975.6 (MANE Select); coding-DNA position 108, C replaced by T.
Protein change: p.Tyr36=; no amino-acid change (tyrosine 36 retained).
Molecular consequence: synonymous variant. On other transcripts: intron variant (4).
Genome position (GRCh38, 1-based): chr10:43,100,493, C>T. VCF-style: chr10-43100493-C-T. GRCh37 (hg19) VCF-style: chr10-43595941-C-T.
Other names: c.108C>T, p.Tyr36= (NM_000323.2, NM_001406743.1, NM_001406744.1 and 34 more transcripts); c.74-8538C>T (NM_001406784.1); c.74-11606C>T (NM_001406794.1, NM_001406792.1, NM_001406793.1).
Identifiers: ClinVar variation 2703074 (VCV002703074.5), dbSNP rs967553881, ClinGen allele CA206713119.

ClinVar aggregate classification (germline): Likely benign. Review status: criteria provided, multiple submitters, no conflicts (2 of 4 stars). 3 submissions from 3 submitters: Likely benign (3). Last evaluated 2025-12-02.

Conditions:
Hereditary cancer-predisposing syndrome. Also called: Hereditary neoplastic syndrome; Neoplastic Syndromes, Hereditary; Hereditary Cancer Syndrome; Tumor predisposition. Identifiers: Orphanet 140162, MedGen C0027672, MeSH D009386, MONDO:0015356.
Multiple endocrine neoplasia, type 2 (MEN2). Identifiers: Orphanet 653, MedGen C4048306, MONDO:0019003. Disease mechanism: gain of function.

Allele frequency attached by ClinVar (database versions not stated): TOPMed below 0.00001.

Submissions (3):

Labcorp Genetics (formerly Invitae), Labcorp
Classification: Likely benign for Multiple endocrine neoplasia, type 2. Last evaluated: 2025-12-02. Review status: criteria provided, single submitter. Criteria: Invitae Variant Classification Sherloc (09022015). Collection method: clinical testing. Allele origin: germline.

Women's Health and Genetics/Laboratory Corporation of America, LabCorp
Classification: Likely benign. Last evaluated: 2024-10-28. Review status: criteria provided, single submitter. Criteria: LabCorp Variant Classification Summary - May 2015. Collection method: clinical testing. Allele origin: germline.
Comment: Variant summary: RET c.108C>T alters a non-conserved nucleotide resulting in a synonymous change. Consensus agreement among computation tools predict no significant impact on normal splicing. However, these predictions have yet to be confirmed by functional studies. The variant was absent in 249308 control chromosomes. The available data on variant occurrences in the general population are insufficient to allow any conclusion about variant significance. To our knowledge, no occurrence of c.108C>T in individuals affected with Hirschsprung Disease and no experimental evidence demonstrating its impact on protein function have been reported. ClinVar contains an entry for this variant (Variation ID: 2703074). Based on the evidence outlined above, the variant was classified as likely benign.

Ambry Genetics
Classification: Likely benign for Hereditary cancer-predisposing syndrome. Last evaluated: 2023-12-14. Review status: criteria provided, single submitter. Criteria: Ambry Variant Classification Scheme 2023. Collection method: clinical testing. Allele origin: germline.